The following is an entry in ClinVar:

NM_005157.6(ABL1):c.2416C>A (p.Pro806Thr)

Gene: ABL1 (ABL proto-oncogene 1, non-receptor tyrosine kinase; plus strand). Cytogenetic location: 9q34.12.
Variant type: single nucleotide variant.
Coding change: c.2416C>A on transcript NM_005157.6 (MANE Select); coding-DNA position 2416, C replaced by A.
Protein change: p.Pro806Thr; replaces proline 806 with threonine.
Molecular consequence: missense variant.
Genome position (GRCh38, 1-based): chr9:130,884,706, C>A. VCF-style: chr9-130884706-C-A. GRCh37 (hg19) VCF-style: chr9-133760093-C-A.
Other names: c.2473C>A (NM_007313.2); c.2473C>A, p.Pro825Thr (NM_007313.3); short protein forms P806T, P825T.
Identifiers: ClinVar variation 133439 (VCV000133439.6), dbSNP rs149412304, ClinGen allele CA156527.
Genomic context (GRCh38, chr9:130,884,706, plus strand): 5'-CTGGTGAAAAAGAATGAGGAAGCTGCTGATGAGGTCTTCAAAGACATCATGGAGTCCAGC[C>A]CGGGCTCCAGCCCGCCCAACCTGACTCCAAAACCCCTCCGGCGGCAGGTCACCGTGGCCC-3'
Protein context (NP_005148.2, residues 796-816): EVFKDIMESS[Pro806Thr]GSSPPNLTPK

ClinVar aggregate classification (germline): Benign/Likely benign. Review status: criteria provided, multiple submitters, no conflicts (2 of 4 stars). 4 submissions from 4 submitters: Benign (1); Likely benign (2). 1 of the submissions does not count toward it. Last evaluated 2025-03-31.

Conditions:
Inborn genetic diseases. Identifiers: MedGen C0950123, MeSH D030342.

Allele frequency attached by ClinVar (database versions not stated): gnomAD exomes 0.00001 and 0.00004; ExAC 0.00007; TOPMed 0.00008; gnomAD 0.00013 and 0.00014; ESP Exome Variant Server 0.00015.
gnomAD v4.1: 34 of 1,612,684 alleles (0.0021%); highest among the groups gnomAD compares: African/African-American, 0.031%; no homozygotes.

Submissions (4):

Labcorp Genetics (formerly Invitae), Labcorp
Classification: Benign. Last evaluated: 2025-03-31. Review status: criteria provided, single submitter. Criteria: Invitae Variant Classification Sherloc (09022015). Collection method: clinical testing. Allele origin: germline.

Ambry Genetics
Classification: Likely benign for Inborn genetic diseases. Last evaluated: 2023-12-21. Review status: criteria provided, single submitter. Criteria: Ambry Variant Classification Scheme 2023. Collection method: clinical testing. Allele origin: germline.

Blueprint Genetics
Classification: Likely benign. Last evaluated: 2020-04-16. Review status: criteria provided, single submitter. Criteria: ACMG Guidelines, 2015. Collection method: clinical testing. Allele origin: germline.

ITMI
No classification provided. Condition: AllHighlyPenetrant. Last evaluated: 2013-09-19. Review status: no classification provided. Collection method: reference population. Allele origin: germline. Not counted in ClinVar's aggregate classification.
Comment: Please see associated publication for description of ethnicities

Literature cited by the submitters: PubMed 24728327 (cited by ITMI).